The following is an entry in ClinVar:

NM_006092.4(NOD1):c.-121-85G>C

Gene: NOD1 (nucleotide binding oligomerization domain containing 1; minus strand). Cytogenetic location: 7p14.3.
Variant type: single nucleotide variant.
Coding change: c.-121-85G>C on transcript NM_006092.4 (MANE Select); 85 bases into the intron before 121 bases upstream of the start codon, G replaced by C.
Molecular consequence: intron variant.
Genome position (GRCh38, 1-based): chr7:30,457,127, C>G on the plus strand (G>C on the coding strand, the complement: NOD1 is on the minus strand). VCF-style: chr7-30457127-C-G. GRCh37 (hg19) VCF-style: chr7-30496743-C-G.
Other names: c.-121-85G>C (NM_001354849.2).
Identifiers: ClinVar variation 103086 (VCV000103086.2), dbSNP rs199476262, ClinGen allele CA230099.

ClinVar aggregate classification (germline): not provided (0 of 4 stars; one submission).

Allele frequency attached by ClinVar (database versions not stated): gnomAD 0.00009 and 0.00013; gnomAD exomes 0.00009; TOPMed 0.00010; 1000 Genomes Project 30x 0.00109; 1000 Genomes Project 0.00140.
gnomAD v4.1: 63 of 578,846 alleles (0.011%); highest among the groups gnomAD compares: East Asian, 0.17%; no homozygotes.

Submission:

Human Evolutionary Genetics, Institut Pasteur
No classification provided. Review status: no classification provided. Collection method: not provided. Allele origin: germline.
ClinVar note: Converted during submission from untested to not provided.